The following is an entry in ClinVar:

ClinVar aggregate classification (germline): Likely benign. Review status: criteria provided, multiple submitters, no conflicts (2 of 4 stars). 5 submissions from 5 submitters: Likely benign (4). 1 of the submissions does not count toward it. Last evaluated 2025-06-12.

Conditions:
Nephrotic syndrome 15. Identifiers: MedGen C4539896, MONDO:0033262, OMIM 617609.
MAGI2-related disorder. Also called: MAGI2-related condition.

Allele frequency attached by ClinVar (database versions not stated): 1000 Genomes Project 0.00020; 1000 Genomes Project 30x 0.00031; gnomAD 0.00040; gnomAD exomes 0.00045; TOPMed 0.00054; ExAC 0.00098.
gnomAD v4.1: 1,257 of 1,548,270 alleles (0.081%); highest among the groups gnomAD compares: Non-Finnish European, 0.1%; 2 homozygotes.

Submissions (5):

Labcorp Genetics (formerly Invitae), Labcorp
Classification: Likely benign. Last evaluated: 2025-06-12. Review status: criteria provided, single submitter. Criteria: Invitae Variant Classification Sherloc (09022015). Collection method: clinical testing. Allele origin: germline.

Blueprint Genetics
Classification: Likely benign. Last evaluated: 2024-10-25. Review status: criteria provided, single submitter. Criteria: ACMG Guidelines, 2015. Collection method: clinical testing. Allele origin: germline.

Fulgent Genetics
Classification: Likely benign for Nephrotic syndrome 15. Last evaluated: 2022-02-04. Review status: criteria provided, single submitter. Criteria: ACMG Guidelines, 2015. Collection method: clinical testing. Allele origin: unknown.

Genetic Services Laboratory, University of Chicago
Classification: Likely benign. Last evaluated: 2020-12-11. Review status: criteria provided, single submitter. Criteria: ACMG Guidelines, 2015. Collection method: clinical testing. Allele origin: germline. Affected: no.

PreventionGenetics, part of Exact Sciences
Classification: Likely benign for MAGI2-related condition. Last evaluated: 2020-02-20. Review status: no assertion criteria provided. Collection method: clinical testing. Allele origin: germline. Not counted in ClinVar's aggregate classification.
Comment: This variant is classified as likely benign based on ACMG/AMP sequence variant interpretation guidelines (Richards et al. 2015 PMID: 25741868, with internal and published modifications).

NM_012301.4(MAGI2):c.4353G>A (p.Ser1451=)

Gene: MAGI2 (membrane associated guanylate kinase, WW and PDZ domain containing 2; minus strand). Cytogenetic location: 7q21.11.
Variant type: single nucleotide variant.
Coding change: c.4353G>A on transcript NM_012301.4 (MANE Select); coding-DNA position 4353, G replaced by A.
Protein change: p.Ser1451=; no amino-acid change (serine 1451 retained).
Molecular consequence: synonymous variant.
Genome position (GRCh38, 1-based): chr7:78,019,330, C>T on the plus strand (G>A on the coding strand, the complement: MAGI2 is on the minus strand). VCF-style: chr7-78019330-C-T. GRCh37 (hg19) VCF-style: chr7-77648647-C-T.
Other names: c.4311G>A, p.Ser1437= (NM_001301128.2).
Identifiers: ClinVar variation 129554 (VCV000129554.16), dbSNP rs576579796, ClinGen allele CA231270.